The following is an entry in ClinVar:

ClinVar aggregate classification (germline): Uncertain significance (1 of 4 stars; one submission).

Conditions:
Immunodeficiency, common variable, 10. Also called: IMMUNODEFICIENCY, COMMON VARIABLE, WITH CENTRAL ADRENAL INSUFFICIENCY; DEFICIT IN ANTERIOR PITUITARY FUNCTION AND VARIABLE IMMUNODEFICIENCY. Identifiers: MedGen C3809991, MONDO:0014260, OMIM 615577.

Allele frequency attached by ClinVar (database versions not stated): gnomAD exomes below 0.00001; ExAC 0.00001; 1000 Genomes Project 30x 0.00016; 1000 Genomes Project 0.00020; gnomAD 0.00001.

Submission:

Labcorp Genetics (formerly Invitae), Labcorp
Classification: Uncertain significance for Immunodeficiency, common variable, 10. Last evaluated: 2024-07-29. Review status: criteria provided, single submitter. Criteria: Invitae Variant Classification Sherloc (09022015). Collection method: clinical testing. Allele origin: germline.
Comment: This sequence change replaces glutamic acid, which is acidic and polar, with lysine, which is basic and polar, at codon 86 of the NFKB2 protein (p.Glu86Lys). This variant is present in population databases (rs200369413, gnomAD 0.0009%). This variant has not been reported in the literature in individuals affected with NFKB2-related conditions. An algorithm developed to predict the effect of missense changes on protein structure and function (PolyPhen-2) suggests that this variant is likely to be tolerated. In summary, the available evidence is currently insufficient to determine the role of this variant in disease. Therefore, it has been classified as a Variant of Uncertain Significance.

NM_001322934.2(NFKB2):c.256G>A (p.Glu86Lys)

Gene: NFKB2 (nuclear factor kappa B subunit 2; plus strand). Cytogenetic location: 10q24.32.
Variant type: single nucleotide variant.
Coding change: c.256G>A on transcript NM_001322934.2 (MANE Select); coding-DNA position 256, G replaced by A.
Protein change: p.Glu86Lys; replaces glutamic acid 86 with lysine.
Molecular consequence: missense variant.
Genome position (GRCh38, 1-based): chr10:102,396,916, G>A. VCF-style: chr10-102396916-G-A. GRCh37 (hg19) VCF-style: chr10-104156673-G-A.
Other names: c.256G>A, p.Glu86Lys (NM_001077493.1, NM_001077494.3, NM_001261403.3 and 3 more transcripts); short protein forms E86K.
Identifiers: ClinVar variation 2884972 (VCV002884972.3), dbSNP rs200369413, ClinGen allele CA5664503.